The following is an entry in ClinVar:

ClinVar aggregate classification (germline): Uncertain significance (1 of 4 stars; one submission).

Submission:

Labcorp Genetics (formerly Invitae), Labcorp
Classification: Uncertain significance. Last evaluated: 2023-04-18. Review status: criteria provided, single submitter. Criteria: Invitae Variant Classification Sherloc (09022015). Collection method: clinical testing. Allele origin: germline.
Comment: In summary, the available evidence is currently insufficient to determine the role of this variant in disease. Therefore, it has been classified as a Variant of Uncertain Significance. Advanced modeling of protein sequence and biophysical properties (such as structural, functional, and spatial information, amino acid conservation, physicochemical variation, residue mobility, and thermodynamic stability) performed at Invitae indicates that this missense variant is expected to disrupt ARID1A protein function. This variant has not been reported in the literature in individuals affected with ARID1A-related conditions. This variant is not present in population databases (gnomAD no frequency). This sequence change replaces serine, which is neutral and polar, with cysteine, which is neutral and slightly polar, at codon 1587 of the ARID1A protein (p.Ser1587Cys).

NM_006015.6(ARID1A):c.4759A>T (p.Ser1587Cys)

Gene: ARID1A (AT-rich interaction domain 1A; plus strand). Cytogenetic location: 1p36.11.
Variant type: single nucleotide variant.
Coding change: c.4759A>T on transcript NM_006015.6 (MANE Select); coding-DNA position 4759, A replaced by T.
Protein change: p.Ser1587Cys; replaces serine 1587 with cysteine.
Molecular consequence: missense variant.
Genome position (GRCh38, 1-based): chr1:26,774,986, A>T. VCF-style: chr1-26774986-A-T. GRCh37 (hg19) VCF-style: chr1-27101477-A-T.
Other names: c.4108A>T, p.Ser1370Cys (NM_139135.4); short protein forms S1370C, S1587C.
Identifiers: ClinVar variation 2857473 (VCV002857473.3), dbSNP rs2124122109, ClinGen allele CA339178311.